The following is an entry in ClinVar:

NM_182914.3(SYNE2):c.12610-149A>C

Gene: SYNE2 (spectrin repeat containing nuclear envelope protein 2; plus strand). Cytogenetic location: 14q23.2.
Variant type: single nucleotide variant.
Coding change: c.12610-149A>C on transcript NM_182914.3 (MANE Select); 149 bases into the intron before coding-DNA position 12610, A replaced by C.
Molecular consequence: intron variant.
Genome position (GRCh38, 1-based): chr14:64,113,192, A>C. VCF-style: chr14-64113192-A-C. GRCh37 (hg19) VCF-style: chr14-64579910-A-C.
Other names: c.12610-149A>C (NM_015180.6).
Identifiers: ClinVar variation 2644297 (VCV002644297.24), dbSNP rs141680971, ClinGen allele CA261835322.
Genomic context (GRCh38, chr14:64,113,192, plus strand): 5'-CTTACTCGCAGATCGGCTGCTTGGAAACCTGTGGCACCAGGTCACGTGATTGTTGCTATG[A>C]GTGTGGAGGTGCATTTCTCTTTTCTTTCTTCCTTCTTCTGTCCTGATTTTGTTTCTTTTA-3'

ClinVar aggregate classification (germline): Benign (1 of 4 stars; one submission).

Allele frequency attached by ClinVar (database versions not stated): gnomAD exomes 0.00020; TOPMed 0.00020; gnomAD 0.00031; 1000 Genomes Project 30x 0.00125; 1000 Genomes Project 0.00140.
gnomAD v4.1: 321 of 1,493,322 alleles (0.021%); highest among the groups gnomAD compares: African/African-American, 0.072%; no homozygotes.

Submission:

CeGaT Center for Human Genetics Tuebingen
Classification: Benign. Last evaluated: 2022-12-01. Review status: criteria provided, single submitter. Criteria: CeGaT Center For Human Genetics Tuebingen Variant Classification Criteria Version 2. Collection method: clinical testing. Allele origin: germline. Affected: yes. Observed: 2 variant alleles.
Comment: SYNE2: BS1, BS2